The following is an entry in ClinVar:

ClinVar aggregate classification (germline): Pathogenic (1 of 4 stars; one submission).

Conditions:
Peroxisome biogenesis disorder 12A (Zellweger). Also called: Peroxisome biogenesis disorder 12A. Identifiers: Orphanet 912, MedGen C3554002, MONDO:0013951, OMIM 614886.

Submission:

Labcorp Genetics (formerly Invitae), Labcorp
Classification: Pathogenic for Peroxisome biogenesis disorder 12A (Zellweger). Last evaluated: 2022-08-22. Review status: criteria provided, single submitter. Criteria: Invitae Variant Classification Sherloc (09022015). Collection method: clinical testing. Allele origin: germline.
Comment: For these reasons, this variant has been classified as Pathogenic. ClinVar contains an entry for this variant (Variation ID: 1385253). This variant has not been reported in the literature in individuals affected with PEX19-related conditions. This variant is not present in population databases (gnomAD no frequency). This sequence change creates a premature translational stop signal (p.Glu98Aspfs*22) in the PEX19 gene. It is expected to result in an absent or disrupted protein product. Loss-of-function variants in PEX19 are known to be pathogenic (PMID: 10051604, 20683989, 21031596).

Literature cited by the submitters: PubMed 10051604; PubMed 20683989; PubMed 21031596.

NM_002857.4(PEX19):c.294del (p.Glu98fs)

Gene: PEX19 (peroxisomal biogenesis factor 19; minus strand). Cytogenetic location: 1q23.2.
Variant type: Deletion.
Coding change: c.294del on transcript NM_002857.4 (MANE Select); coding-DNA position 294, one base deleted (A; older notation c.294delA).
Protein change: p.Glu98fs; shifts the reading frame from glutamic acid 98.
Molecular consequence: frameshift variant. On other transcripts: non-coding transcript variant (2).
Genome position (GRCh38, 1-based): chr1:160,282,996, T deleted on the plus strand (A on the coding strand, the reverse complement: PEX19 is on the minus strand); the first of 2 consecutive T bases (chr1:160,282,996-160,282,997); deleting either gives the same sequence. VCF-style (leftmost placement, unchanged base first): chr1-160282995-GT-G. GRCh37 (hg19) VCF-style: chr1-160252785-GT-G.
Other names: c.294del, p.Glu98fs (NM_001193644.1); short protein forms E98fs.
Identifiers: ClinVar variation 1385253 (VCV001385253.6), dbSNP rs2101804576, ClinGen allele CA2573131242.